The following is an entry in ClinVar:

ClinVar aggregate classification (germline): Uncertain significance (1 of 4 stars; one submission).

Allele frequency attached by ClinVar (database versions not stated): gnomAD exomes 0.00001; gnomAD 0.00002; TOPMed 0.00002.
gnomAD v4.1: 18 of 1,613,762 alleles (0.0011%); highest among the groups gnomAD compares: Non-Finnish European, 0.0015%; no homozygotes.

Submission:

Labcorp Genetics (formerly Invitae), Labcorp
Classification: Uncertain significance. Last evaluated: 2023-03-30. Review status: criteria provided, single submitter. Criteria: Invitae Variant Classification Sherloc (09022015). Collection method: clinical testing. Allele origin: germline.
Comment: This sequence change replaces lysine, which is basic and polar, with glutamic acid, which is acidic and polar, at codon 56 of the FXYD2 protein (p.Lys56Glu). This variant is not present in population databases (gnomAD no frequency). In summary, the available evidence is currently insufficient to determine the role of this variant in disease. Therefore, it has been classified as a Variant of Uncertain Significance. An algorithm developed to predict the effect of missense changes on protein structure and function (PolyPhen-2) suggests that this variant is likely to be disruptive. This variant has not been reported in the literature in individuals affected with FXYD2-related conditions.

NM_001680.5(FXYD2):c.166A>G (p.Lys56Glu)

Genes: FXYD2 (FXYD domain containing ion transport regulator 2; minus strand), FXYD6-FXYD2 (FXYD6-FXYD2 readthrough; minus strand). Cytogenetic location: 11q23.3.
Variant type: single nucleotide variant.
Coding change: c.166A>G on transcript NM_001680.5 (MANE Select); coding-DNA position 166, A replaced by G.
Protein change: p.Lys56Glu; replaces lysine 56 with glutamic acid.
Molecular consequence: missense variant. On other transcripts: synonymous variant (1).
Genome position (GRCh38, 1-based): chr11:117,820,869, T>C on the plus strand (A>G on the coding strand, the complement: FXYD2 is on the minus strand). VCF-style: chr11-117820869-T-C. GRCh37 (hg19) VCF-style: chr11-117691584-T-C.
Other names: c.400A>G, p.Lys134Glu (NM_001204268.3); c.338A>G, p.Ter113= (NM_001243598.4); c.160A>G, p.Lys54Glu (NM_021603.4); short protein forms K56E, K134E, K54E.
Identifiers: ClinVar variation 2991650 (VCV002991650.3), dbSNP rs1190336706, ClinGen allele CA382762683.